The following is an entry in ClinVar:

ClinVar aggregate classification (germline): Uncertain significance. Review status: criteria provided, multiple submitters, no conflicts (2 of 4 stars). 2 submissions from 2 submitters: Uncertain significance (2). Last evaluated 2023-09-06.

Conditions:
Familial thoracic aortic aneurysm and aortic dissection (TAAD). Also called: Thoracic aortic aneurysms and dissections. Identifiers: Orphanet 91387, MedGen C4707243, MONDO:0019625.

Allele frequency attached by ClinVar (database versions not stated): TOPMed below 0.00001.

Submissions (2):

Ambry Genetics
Classification: Uncertain significance for Familial thoracic aortic aneurysm and aortic dissection. Last evaluated: 2023-09-06. Review status: criteria provided, single submitter. Criteria: Ambry Variant Classification Scheme 2023. Collection method: clinical testing. Allele origin: germline.
Comment: The p.L204F variant (also known as c.610C>T), located in coding exon 4 of the PRKG1 gene, results from a C to T substitution at nucleotide position 610. The leucine at codon 204 is replaced by phenylalanine, an amino acid with highly similar properties. This amino acid position is conserved. In addition, this alteration is predicted to be deleterious by in silico analysis. Since supporting evidence is limited at this time, the clinical significance of this alteration remains unclear.

GeneDx
Classification: Uncertain significance. Last evaluated: 2021-08-16. Review status: criteria provided, single submitter. Criteria: GeneDx Variant Classification Process June 2021. Collection method: clinical testing. Allele origin: germline. Affected: yes.
Comment: Has not been previously published as pathogenic or benign to our knowledge; Not observed in large population cohorts (Lek et al., 2016); In silico analysis supports that this missense variant has a deleterious effect on protein structure/function

NM_006258.4(PRKG1):c.610C>T (p.Leu204Phe)

Gene: PRKG1 (protein kinase cGMP-dependent 1; plus strand). Cytogenetic location: 10q21.1.
Variant type: single nucleotide variant.
Coding change: c.610C>T on transcript NM_006258.4 (MANE Select); coding-DNA position 610, C replaced by T.
Protein change: p.Leu204Phe; replaces leucine 204 with phenylalanine.
Molecular consequence: missense variant.
Genome position (GRCh38, 1-based): chr10:51,804,602, C>T. VCF-style: chr10-51804602-C-T. GRCh37 (hg19) VCF-style: chr10-53564362-C-T.
Other names: c.565C>T, p.Leu189Phe (NM_001098512.3); c.610C>T, p.Leu204Phe (NM_001374782.1); short protein forms L189F, L204F.
Identifiers: ClinVar variation 1313390 (VCV001313390.5), dbSNP rs1839257214, ClinGen allele CA376530804.
Genomic context (GRCh38, chr10:51,804,602, plus strand): 5'-TGATTAATTTTTCCCTGTTTGTTTCTCTTTTATTTTTCTCCAGCTCTTGTAAATGTAAAA[C>T]TCTGGGCCATTGATCGACAATGTTTTCAAACAATAATGATGAGGACAGGACTCATCAAGC-3'
Protein context (NP_006249.1, residues 194-214): ATVKTLVNVK[Leu204Phe]WAIDRQCFQT